The following is an entry in ClinVar:

NM_212482.4(FN1):c.1967A>C (p.Glu656Ala)

Gene: FN1 (fibronectin 1; minus strand). Cytogenetic location: 2q35.
Variant type: single nucleotide variant.
Coding change: c.1967A>C on transcript NM_212482.4 (MANE Select); coding-DNA position 1967, A replaced by C.
Protein change: p.Glu656Ala; replaces glutamic acid 656 with alanine.
Molecular consequence: missense variant.
Genome position (GRCh38, 1-based): chr2:215,410,089, T>G on the plus strand (A>C on the coding strand, the complement: FN1 is on the minus strand). VCF-style: chr2-215410089-T-G. GRCh37 (hg19) VCF-style: chr2-216274812-T-G.
Other names: c.1967A>C, p.Glu656Ala (NM_001306129.2, NM_001306130.2, NM_001306131.2 and 13 more transcripts); short protein forms E656A.
Identifiers: ClinVar variation 2443541 (VCV002443541.5), dbSNP rs563003846, ClinGen allele CA2095098.

ClinVar aggregate classification (germline): Uncertain significance. Review status: criteria provided, multiple submitters, no conflicts (2 of 4 stars). 3 submissions from 3 submitters: Uncertain significance (3). Last evaluated 2025-11-12.

Conditions:
Inborn genetic diseases. Identifiers: MedGen C0950123, MeSH D030342.

Allele frequency attached by ClinVar (database versions not stated): gnomAD exomes below 0.00001; ExAC 0.00001; gnomAD 0.00001; TOPMed 0.00003; 1000 Genomes Project 30x 0.00016; 1000 Genomes Project 0.00020.
gnomAD v4.1: 4 of 1,613,428 alleles (0.00025%); highest among the groups gnomAD compares: African/African-American, 0.0053%; no homozygotes.

Submissions (3):

Ambry Genetics
Classification: Uncertain significance for Inborn genetic diseases. Last evaluated: 2025-11-12. Review status: criteria provided, single submitter. Criteria: Ambry Variant Classification Scheme 2023. Collection method: clinical testing. Allele origin: germline.

Labcorp Genetics (formerly Invitae), Labcorp
Classification: Uncertain significance. Last evaluated: 2023-12-01. Review status: criteria provided, single submitter. Criteria: Invitae Variant Classification Sherloc (09022015). Collection method: clinical testing. Allele origin: germline.
Comment: This sequence change replaces glutamic acid, which is acidic and polar, with alanine, which is neutral and non-polar, at codon 656 of the FN1 protein (p.Glu656Ala). This variant is not present in population databases (gnomAD no frequency). This variant has not been reported in the literature in individuals affected with FN1-related conditions. ClinVar contains an entry for this variant (Variation ID: 2443541). Advanced modeling of protein sequence and biophysical properties (such as structural, functional, and spatial information, amino acid conservation, physicochemical variation, residue mobility, and thermodynamic stability) performed at Invitae indicates that this missense variant is not expected to disrupt FN1 protein function with a negative predictive value of 80%. In summary, the available evidence is currently insufficient to determine the role of this variant in disease. Therefore, it has been classified as a Variant of Uncertain Significance.

GeneDx
Classification: Uncertain significance. Last evaluated: 2022-09-13. Review status: criteria provided, single submitter. Criteria: GeneDx Variant Classification Process June 2021. Collection method: clinical testing. Allele origin: germline. Affected: yes.
Comment: Not observed at significant frequency in large population cohorts (gnomAD); In silico analysis supports that this missense variant has a deleterious effect on protein structure/function; Has not been previously published as pathogenic or benign to our knowledge